The following is an entry in ClinVar:

ClinVar aggregate classification (germline): Conflicting classifications of pathogenicity. Review status: criteria provided, conflicting classifications (1 of 4 stars). 5 submissions from 5 submitters: Uncertain significance (1); Benign (1); Likely benign (3). Last evaluated 2025-12-24.

Conditions:
Quebec platelet disorder (QPD). Also called: FACTOR V QUEBEC; BLEEDING DISORDER, PLATELET-TYPE, 5. Identifiers: Orphanet 220436, MedGen C1866423, MONDO:0011136, OMIM 601709.

Allele frequency attached by ClinVar (database versions not stated): TOPMed 0.00002; 1000 Genomes Project 0.00080; ExAC 0.00044; 1000 Genomes Project 30x 0.00078.
gnomAD v4.1: 319 of 1,613,988 alleles (0.02%); highest among the groups gnomAD compares: South Asian, 0.32%; 1 homozygote.

Submissions (5):

Women's Health and Genetics/Laboratory Corporation of America, LabCorp
Classification: Likely benign. Last evaluated: 2025-12-24. Review status: criteria provided, single submitter. Criteria: LabCorp Variant Classification Summary - May 2015. Collection method: clinical testing. Allele origin: germline.
Comment: Variant summary: PLAU c.559A>G (p.Ile187Val) results in a conservative amino acid change in the encoded protein sequence. Algorithms developed to predict the effect of missense changes on protein structure and function all suggest that this variant is likely to be tolerated. The variant allele was found at a frequency of 0.00039 in 251216 control chromosomes, predominantly at a frequency of 0.0032 within the South Asian subpopulation in the gnomAD database. The observed variant frequency within South Asian control individuals in the gnomAD database exceeds the estimated maximal expected allele frequency for disease-causing variants in PLAU. To our knowledge, no occurrence of c.559A>G in individuals affected with PLAU-related conditions and no experimental evidence demonstrating its impact on protein function have been reported. ClinVar contains an entry for this variant (Variation ID: 878609). Based on the evidence outlined above, the variant was classified as likely benign.

Mayo Clinic Laboratories, Mayo Clinic
Classification: Likely benign. Last evaluated: 2025-01-20. Review status: criteria provided, single submitter. Criteria: ACMG Guidelines, 2015. Collection method: clinical testing. Allele origin: germline. Observed: 2 variant alleles.
Comment: BS1, BP4_moderate

Blueprint Genetics
Classification: Likely benign. Last evaluated: 2024-06-27. Review status: criteria provided, single submitter. Criteria: ACMG Guidelines, 2015. Collection method: clinical testing. Allele origin: germline.

Ambry Genetics
Classification: Uncertain significance. Last evaluated: 2023-09-08. Review status: criteria provided, single submitter. Criteria: Ambry Variant Classification Scheme 2023. Collection method: clinical testing. Allele origin: germline.

Illumina Laboratory Services, Illumina
Classification: Benign for Quebec platelet disorder. Last evaluated: 2018-01-13. Review status: criteria provided, single submitter. Criteria: ICSL Variant Classification Criteria 13 December 2019. Collection method: clinical testing. Allele origin: germline.
Comment: This variant was observed in the ICSL laboratory as part of a predisposition screen in an ostensibly healthy population. It had not been previously curated by ICSL or reported in the Human Gene Mutation Database (HGMD: prior to June 1st, 2018), and was therefore a candidate for classification through an automated scoring system. Utilizing variant allele frequency, disease prevalence and penetrance estimates, and inheritance mode, an automated score was calculated to assess if this variant is too frequent to cause the disease. Based on the score and internal cut-off values, a variant classified as benign is not then subjected to further curation. The score for this variant resulted in a classification of benign for this disease.

NM_002658.6(PLAU):c.559A>G (p.Ile187Val)

Genes: C10orf55 (chromosome 10 putative open reading frame 55; minus strand), PLAU (plasminogen activator, urokinase; plus strand), LOC126860960 (BRD4-independent group 4 enhancer GRCh37_chr10:75672789-75673988; plus strand). Cytogenetic location: 10q22.2.
Variant type: single nucleotide variant.
Coding change: c.559A>G on transcript NM_002658.6 (MANE Select); coding-DNA position 559, A replaced by G.
Protein change: p.Ile187Val; replaces isoleucine 187 with valine.
Molecular consequence: missense variant.
Genome position (GRCh38, 1-based): chr10:73,913,637, A>G. VCF-style: chr10-73913637-A-G. GRCh37 (hg19) VCF-style: chr10-75673395-A-G.
Other names: p.Ile187Val; c.559A>G (NM_002658.5); c.508A>G, p.Ile170Val (NM_001145031.3); c.301A>G, p.Ile101Val (NM_001319191.2); short protein forms I187V, I170V, I101V.
Identifiers: ClinVar variation 878609 (VCV000878609.9), dbSNP rs528761202, ClinGen allele CA5562462.